The following is an entry in ClinVar:

ClinVar aggregate classification (germline): Uncertain significance. Review status: criteria provided, multiple submitters, no conflicts (2 of 4 stars). 2 submissions from 2 submitters: Uncertain significance (2). Last evaluated 2023-12-01.

Conditions:
Autosomal recessive distal spinal muscular atrophy 1. Also called: Spinal muscular atrophy with respiratory distress 1; NEURONOPATHY, DISTAL HEREDITARY MOTOR, HARDING TYPE VI; NEUROPATHY, DISTAL HEREDITARY MOTOR, AUTOSOMAL RECESSIVE 1; NEURONOPATHY, SEVERE INFANTILE AXONAL, WITH RESPIRATORY FAILURE; SEVERE INFANTILE AXONAL NEUROPATHY WITH RESPIRATORY FAILURE; SPINAL MUSCULAR ATROPHY, DIAPHRAGMATIC. Identifiers: Orphanet 98920, MedGen C1858517, MONDO:0011436, OMIM 604320.
Charcot-Marie-Tooth disease axonal type 2S. Also called: CHARCOT-MARIE-TOOTH NEUROPATHY, TYPE 2S; CHARCOT-MARIE-TOOTH DISEASE, AXONAL, AUTOSOMAL RECESSIVE, TYPE 2S. Identifiers: Orphanet 443073, MedGen C4015349, MONDO:0014511, OMIM 616155.

Allele frequency attached by ClinVar (database versions not stated): TOPMed 0.00002.
gnomAD v4.1: 60 of 1,606,110 alleles (0.0037%); highest among the groups gnomAD compares: Non-Finnish European, 0.005%; no homozygotes.

Submissions (2):

CeGaT Center for Human Genetics Tuebingen
Classification: Uncertain significance. Last evaluated: 2023-12-01. Review status: criteria provided, single submitter. Criteria: CeGaT Center For Human Genetics Tuebingen Variant Classification Criteria Version 2. Collection method: clinical testing. Allele origin: germline. Affected: yes. Observed: 2 variant alleles.
Comment: IGHMBP2: PM2, PP3

Labcorp Genetics (formerly Invitae), Labcorp
Classification: Uncertain significance for Autosomal recessive distal spinal muscular atrophy 1; Charcot-Marie-Tooth disease axonal type 2S. Last evaluated: 2022-06-24. Review status: criteria provided, single submitter. Criteria: Invitae Variant Classification Sherloc (09022015). Collection method: clinical testing. Allele origin: germline.
Comment: This sequence change replaces glycine, which is neutral and non-polar, with tryptophan, which is neutral and slightly polar, at codon 497 of the IGHMBP2 protein (p.Gly497Trp). The frequency data for this variant in the population databases is considered unreliable, as metrics indicate poor data quality at this position in the gnomAD database. This variant has not been reported in the literature in individuals affected with IGHMBP2-related conditions. ClinVar contains an entry for this variant (Variation ID: 466576). Advanced modeling of protein sequence and biophysical properties (such as structural, functional, and spatial information, amino acid conservation, physicochemical variation, residue mobility, and thermodynamic stability) performed at Invitae indicates that this missense variant is expected to disrupt IGHMBP2 protein function. In summary, the available evidence is currently insufficient to determine the role of this variant in disease. Therefore, it has been classified as a Variant of Uncertain Significance.

NM_002180.3(IGHMBP2):c.1489G>T (p.Gly497Trp)

Gene: IGHMBP2 (immunoglobulin mu DNA binding protein 2; plus strand). Cytogenetic location: 11q13.3.
Variant type: single nucleotide variant.
Coding change: c.1489G>T on transcript NM_002180.3 (MANE Select); coding-DNA position 1489, G replaced by T.
Protein change: p.Gly497Trp; replaces glycine 497 with tryptophan.
Molecular consequence: missense variant.
Genome position (GRCh38, 1-based): chr11:68,933,865, G>T. VCF-style: chr11-68933865-G-T. GRCh37 (hg19) VCF-style: chr11-68701333-G-T.
Other names: short protein forms G497W.
Identifiers: ClinVar variation 466576 (VCV000466576.48), dbSNP rs764111837, ClinGen allele CA6153664.